The following is an entry in ClinVar:

NM_001605.3(AARS1):c.1171C>T (p.Arg391Cys)

Gene: AARS1 (alanyl-tRNA synthetase 1; minus strand). Cytogenetic location: 16q22.1.
Variant type: single nucleotide variant.
Coding change: c.1171C>T on transcript NM_001605.3 (MANE Select); coding-DNA position 1171, C replaced by T.
Protein change: p.Arg391Cys; replaces arginine 391 with cysteine.
Molecular consequence: missense variant.
Genome position (GRCh38, 1-based): chr16:70,267,710, G>A on the plus strand (C>T on the coding strand, the complement: AARS1 is on the minus strand). VCF-style: chr16-70267710-G-A. GRCh37 (hg19) VCF-style: chr16-70301613-G-A.
Other names: short protein forms R391C.
Identifiers: ClinVar variation 955835 (VCV000955835.10), dbSNP rs147580372, ClinGen allele CA396563508.

ClinVar aggregate classification (germline): Conflicting classifications of pathogenicity. Review status: criteria provided, conflicting classifications (1 of 4 stars). 2 submissions from 2 submitters: Likely pathogenic (1); Uncertain significance (1). Last evaluated 2024-04-15.

Conditions:
Charcot-Marie-Tooth disease type 2. Also called: Charcot-Marie-Tooth type 2. Identifiers: Orphanet 64746, MedGen C0270914, MONDO:0018993.
Charcot-Marie-Tooth disease axonal type 2N (CMT2N). Also called: Charcot-Marie-Tooth Neuropathy Type 2N; CHARCOT-MARIE-TOOTH DISEASE, AXONAL, AUTOSOMAL DOMINANT, TYPE 2N; CHARCOT-MARIE-TOOTH NEUROPATHY, AXONAL, TYPE 2N. Identifiers: Orphanet 228174, MedGen C2750090, MONDO:0013212, OMIM 613287.

Allele frequency attached by ClinVar (database versions not stated): TOPMed 0.00002.

Submissions (2):

Labcorp Genetics (formerly Invitae), Labcorp
Classification: Uncertain significance for Charcot-Marie-Tooth disease type 2. Last evaluated: 2024-04-15. Review status: criteria provided, single submitter. Criteria: Invitae Variant Classification Sherloc (09022015). Collection method: clinical testing. Allele origin: germline.
Comment: This sequence change replaces arginine, which is basic and polar, with cysteine, which is neutral and slightly polar, at codon 391 of the AARS protein (p.Arg391Cys). This variant is not present in population databases (gnomAD no frequency). This variant has not been reported in the literature in individuals affected with AARS-related conditions. ClinVar contains an entry for this variant (Variation ID: 955835). Advanced modeling of protein sequence and biophysical properties (such as structural, functional, and spatial information, amino acid conservation, physicochemical variation, residue mobility, and thermodynamic stability) has been performed at Invitae for this missense variant, however the output from this modeling did not meet the statistical confidence thresholds required to predict the impact of this variant on AARS protein function. In summary, the available evidence is currently insufficient to determine the role of this variant in disease. Therefore, it has been classified as a Variant of Uncertain Significance.

Institute of Human Genetics Munich, TUM University Hospital
Classification: Likely pathogenic for Charcot-Marie-Tooth disease axonal type 2N. Last evaluated: 2022-03-03. Review status: criteria provided, single submitter. Criteria: Classification criteria August 2017. Collection method: clinical testing. Allele origin: de novo. Inheritance: Autosomal dominant inheritance. Affected: yes. Observed: 1 variant allele.